The following is an entry in ClinVar:

NM_000256.3(MYBPC3):c.3704T>G (p.Val1235Gly)

Gene: MYBPC3 (myosin binding protein C3; minus strand). Cytogenetic location: 11p11.2.
Variant type: single nucleotide variant.
Coding change: c.3704T>G on transcript NM_000256.3 (MANE Select); coding-DNA position 3704, T replaced by G.
Protein change: p.Val1235Gly; replaces valine 1235 with glycine.
Molecular consequence: missense variant.
Genome position (GRCh38, 1-based): chr11:47,332,182, A>C on the plus strand (T>G on the coding strand, the complement: MYBPC3 is on the minus strand). VCF-style: chr11-47332182-A-C. GRCh37 (hg19) VCF-style: chr11-47353733-A-C.
Other names: short protein forms V1235G.
Identifiers: ClinVar variation 3721022 (VCV003721022.2).

ClinVar aggregate classification (germline): Uncertain significance (1 of 4 stars; one submission).

Conditions:
Hypertrophic cardiomyopathy. Also called: HYPERTROPHIC MYOCARDIOPATHY. Identifiers: Orphanet 217569, MedGen C0007194, MeSH D002312, MONDO:0005045, HP:0001639.

Submission:

Labcorp Genetics (formerly Invitae), Labcorp
Classification: Uncertain significance for Hypertrophic cardiomyopathy. Last evaluated: 2024-10-17. Review status: criteria provided, single submitter. Criteria: Invitae Variant Classification Sherloc (09022015). Collection method: clinical testing. Allele origin: germline.
Comment: This sequence change replaces valine, which is neutral and non-polar, with glycine, which is neutral and non-polar, at codon 1235 of the MYBPC3 protein (p.Val1235Gly). This variant is not present in population databases (gnomAD no frequency). This missense change has been observed in individual(s) with hypertrophic cardiomyopathy (PMID: 25132132). An algorithm developed to predict the effect of missense changes on protein structure and function (PolyPhen-2) suggests that this variant is likely to be disruptive. Algorithms developed to predict the effect of sequence changes on RNA splicing suggest that this variant may create or strengthen a splice site. In summary, the available evidence is currently insufficient to determine the role of this variant in disease. Therefore, it has been classified as a Variant of Uncertain Significance.

Literature cited by the submitters: PubMed 25132132.